The following continues an entry in ClinVar:

NM_025099.6(CTC1):c.2386-13T>G

Gene: CTC1. ClinVar aggregate classification (germline): Benign/Likely benign. Benign (6); Likely benign (1).

Submissions 31 to 53 of 53:

Dr. Peter K. Rogan Lab, Western University
No classification provided (evidence only). Condition: Cervical cancer. Review status: no classification provided. Collection method: in vitro. Allele origin: not applicable. Functional consequence: retained intron. Not counted in ClinVar's aggregate classification.

Dr. Peter K. Rogan Lab, Western University
No classification provided (evidence only). Condition: Cervical cancer. Review status: no classification provided. Collection method: in vitro. Allele origin: not applicable. Functional consequence: retained intron. Not counted in ClinVar's aggregate classification.

Dr. Peter K. Rogan Lab, Western University
No classification provided (evidence only). Condition: Cervical cancer. Review status: no classification provided. Collection method: in vitro. Allele origin: not applicable. Functional consequence: retained intron. Not counted in ClinVar's aggregate classification.

Dr. Peter K. Rogan Lab, Western University
No classification provided (evidence only). Condition: Cervical cancer. Review status: no classification provided. Collection method: in vitro. Allele origin: not applicable. Functional consequence: retained intron. Not counted in ClinVar's aggregate classification.

Dr. Peter K. Rogan Lab, Western University
No classification provided (evidence only). Condition: Sarcoma. Review status: no classification provided. Collection method: in vitro. Allele origin: not applicable. Functional consequence: retained intron. Not counted in ClinVar's aggregate classification.

Dr. Peter K. Rogan Lab, Western University
No classification provided (evidence only). Condition: Sarcoma. Review status: no classification provided. Collection method: in vitro. Allele origin: not applicable. Functional consequence: retained intron. Not counted in ClinVar's aggregate classification.

Dr. Peter K. Rogan Lab, Western University
No classification provided (evidence only). Condition: Sarcoma. Review status: no classification provided. Collection method: in vitro. Allele origin: not applicable. Functional consequence: retained intron. Not counted in ClinVar's aggregate classification.

Dr. Peter K. Rogan Lab, Western University
No classification provided (evidence only). Condition: Sarcoma. Review status: no classification provided. Collection method: in vitro. Allele origin: not applicable. Functional consequence: retained intron. Not counted in ClinVar's aggregate classification.

Dr. Peter K. Rogan Lab, Western University
No classification provided (evidence only). Condition: Sarcoma. Review status: no classification provided. Collection method: in vitro. Allele origin: not applicable. Functional consequence: retained intron. Not counted in ClinVar's aggregate classification.

Dr. Peter K. Rogan Lab, Western University
No classification provided (evidence only). Condition: Sarcoma. Review status: no classification provided. Collection method: in vitro. Allele origin: not applicable. Functional consequence: retained intron. Not counted in ClinVar's aggregate classification.

Dr. Peter K. Rogan Lab, Western University
No classification provided (evidence only). Condition: Thymoma. Review status: no classification provided. Collection method: in vitro. Allele origin: not applicable. Functional consequence: retained intron. Not counted in ClinVar's aggregate classification.

Dr. Peter K. Rogan Lab, Western University
No classification provided (evidence only). Condition: Thymoma. Review status: no classification provided. Collection method: in vitro. Allele origin: not applicable. Functional consequence: retained intron. Not counted in ClinVar's aggregate classification.

Dr. Peter K. Rogan Lab, Western University
No classification provided (evidence only). Condition: Cholangiocarcinoma. Review status: no classification provided. Collection method: in vitro. Allele origin: not applicable. Functional consequence: retained intron. Not counted in ClinVar's aggregate classification.

Dr. Peter K. Rogan Lab, Western University
No classification provided (evidence only). Condition: Cholangiocarcinoma. Review status: no classification provided. Collection method: in vitro. Allele origin: not applicable. Functional consequence: retained intron. Not counted in ClinVar's aggregate classification.

Dr. Peter K. Rogan Lab, Western University
No classification provided (evidence only). Condition: Ovarian serous cystadenocarcinoma. Review status: no classification provided. Collection method: in vitro. Allele origin: not applicable. Functional consequence: retained intron. Not counted in ClinVar's aggregate classification.

Dr. Peter K. Rogan Lab, Western University
No classification provided (evidence only). Condition: Ovarian serous cystadenocarcinoma. Review status: no classification provided. Collection method: in vitro. Allele origin: not applicable. Functional consequence: retained intron. Not counted in ClinVar's aggregate classification.

Dr. Peter K. Rogan Lab, Western University
No classification provided (evidence only). Condition: Ovarian serous cystadenocarcinoma. Review status: no classification provided. Collection method: in vitro. Allele origin: not applicable. Functional consequence: retained intron. Not counted in ClinVar's aggregate classification.

Dr. Peter K. Rogan Lab, Western University
No classification provided (evidence only). Condition: Ovarian serous cystadenocarcinoma. Review status: no classification provided. Collection method: in vitro. Allele origin: not applicable. Functional consequence: retained intron. Not counted in ClinVar's aggregate classification.

Dr. Peter K. Rogan Lab, Western University
No classification provided (evidence only). Condition: Malignant tumor of esophagus. Review status: no classification provided. Collection method: in vitro. Allele origin: not applicable. Functional consequence: retained intron. Not counted in ClinVar's aggregate classification.

Dr. Peter K. Rogan Lab, Western University
No classification provided (evidence only). Condition: Malignant tumor of esophagus. Review status: no classification provided. Collection method: in vitro. Allele origin: not applicable. Functional consequence: retained intron. Not counted in ClinVar's aggregate classification.

Dr. Peter K. Rogan Lab, Western University
No classification provided (evidence only). Condition: Malignant tumor of esophagus. Review status: no classification provided. Collection method: in vitro. Allele origin: not applicable. Functional consequence: retained intron. Not counted in ClinVar's aggregate classification.

Dr. Peter K. Rogan Lab, Western University
No classification provided (evidence only). Condition: Malignant tumor of esophagus. Review status: no classification provided. Collection method: in vitro. Allele origin: not applicable. Functional consequence: skipped exon, retained intron. Not counted in ClinVar's aggregate classification.

Dr. Peter K. Rogan Lab, Western University
No classification provided (evidence only). Condition: Lymphoma. Review status: no classification provided. Collection method: in vitro. Allele origin: not applicable. Functional consequence: retained intron. Not counted in ClinVar's aggregate classification.